The following is an entry in ClinVar:

NM_000271.5(NPC1):c.1411C>T (p.Pro471Ser)

Gene: NPC1 (NPC intracellular cholesterol transporter 1; minus strand). Cytogenetic location: 18q11.2.
Variant type: single nucleotide variant.
Coding change: c.1411C>T on transcript NM_000271.5 (MANE Select); coding-DNA position 1411, C replaced by T.
Protein change: p.Pro471Ser; replaces proline 471 with serine.
Molecular consequence: missense variant.
Genome position (GRCh38, 1-based): chr18:23,554,900, G>A on the plus strand (C>T on the coding strand, the complement: NPC1 is on the minus strand). VCF-style: chr18-23554900-G-A. GRCh37 (hg19) VCF-style: chr18-21134864-G-A.
Other names: short protein forms P471S.
Identifiers: ClinVar variation 972170 (VCV000972170.9), dbSNP rs2058927956, ClinGen allele CA401775796.

ClinVar aggregate classification (germline): Uncertain significance. Review status: criteria provided, single submitter (1 of 4 stars). 2 submissions from 2 submitters: Uncertain significance (1). 1 of the submissions does not count toward it. Last evaluated 2021-08-31.

Conditions:
Niemann-Pick disease, type C1. Also called: NIEMANN-PICK DISEASE, VARIANT TYPE C1; NEUROVISCERAL STORAGE DISEASE WITH VERTICAL SUPRANUCLEAR OPHTHALMOPLEGIA; NIEMANN-PICK DISEASE WITH CHOLESTEROL ESTERIFICATION BLOCK; NIEMANN-PICK DISEASE WITHOUT SPHINGOMYELINASE DEFICIENCY; NIEMANN-PICK DISEASE, CHRONIC NEURONOPATHIC FORM. Identifiers: Orphanet 646, MedGen C3179455, MONDO:0009757, OMIM 257220.

Submissions (2):

Labcorp Genetics (formerly Invitae), Labcorp
Classification: Uncertain significance for Niemann-Pick disease, type C1. Last evaluated: 2021-08-31. Review status: criteria provided, single submitter. Criteria: Invitae Variant Classification Sherloc (09022015). Collection method: clinical testing. Allele origin: germline.
Comment: This sequence change replaces proline with serine at codon 471 of the NPC1 protein (p.Pro471Ser). The proline residue is highly conserved and there is a moderate physicochemical difference between proline and serine. This variant is not present in population databases (ExAC no frequency). This variant has not been reported in the literature in individuals affected with NPC1-related conditions. Algorithms developed to predict the effect of missense changes on protein structure and function (SIFT, PolyPhen-2, Align-GVGD) all suggest that this variant is likely to be disruptive. In summary, the available evidence is currently insufficient to determine the role of this variant in disease. Therefore, it has been classified as a Variant of Uncertain Significance.

Natera, Inc.
Classification: Uncertain significance for Niemann-Pick disease type C1. Last evaluated: 2020-08-12. Review status: no assertion criteria provided. Collection method: clinical testing. Allele origin: germline. Not counted in ClinVar's aggregate classification.